The following is an entry in ClinVar:

ClinVar aggregate classification (germline): Uncertain significance. Review status: criteria provided, multiple submitters, no conflicts (2 of 4 stars). 2 submissions from 2 submitters: Uncertain significance (2). Last evaluated 2023-05-08.

Conditions:
Duchenne muscular dystrophy (DMD). Also called: Duchenne Muscular Dystrophy (DMD); MUSCULAR DYSTROPHY, PSEUDOHYPERTROPHIC PROGRESSIVE, DUCHENNE TYPE. Identifiers: Orphanet 98896, MedGen C0013264, MONDO:0010679, OMIM 310200.
Cardiovascular phenotype. Identifiers: MedGen CN230736.

Allele frequency attached by ClinVar (database versions not stated): TOPMed below 0.00001.

Submissions (2):

Ambry Genetics
Classification: Uncertain significance for Cardiovascular phenotype. Last evaluated: 2023-05-08. Review status: criteria provided, single submitter. Criteria: Ambry Variant Classification Scheme 2023. Collection method: clinical testing. Allele origin: germline.
Comment: The p.L967F variant (also known as c.2899C>T), located in coding exon 22 of the DMD gene, results from a C to T substitution at nucleotide position 2899. The leucine at codon 967 is replaced by phenylalanine, an amino acid with highly similar properties. This amino acid position is poorly conserved in available vertebrate species. In addition, this alteration is predicted to be tolerated by in silico analysis. Since supporting evidence is limited at this time, the clinical significance of this alteration remains unclear.

Labcorp Genetics (formerly Invitae), Labcorp
Classification: Uncertain significance for Duchenne muscular dystrophy. Last evaluated: 2022-10-08. Review status: criteria provided, single submitter. Criteria: Invitae Variant Classification Sherloc (09022015). Collection method: clinical testing. Allele origin: germline.
Comment: In summary, the available evidence is currently insufficient to determine the role of this variant in disease. Therefore, it has been classified as a Variant of Uncertain Significance. Advanced modeling of protein sequence and biophysical properties (such as structural, functional, and spatial information, amino acid conservation, physicochemical variation, residue mobility, and thermodynamic stability) performed at Invitae indicates that this missense variant is not expected to disrupt DMD protein function. ClinVar contains an entry for this variant (Variation ID: 1492909). This variant has not been reported in the literature in individuals affected with DMD-related conditions. This variant is not present in population databases (gnomAD no frequency). This sequence change replaces leucine, which is neutral and non-polar, with phenylalanine, which is neutral and non-polar, at codon 967 of the DMD protein (p.Leu967Phe).

NM_004006.3(DMD):c.2899C>T (p.Leu967Phe)

Gene: DMD (dystrophin; minus strand). Cytogenetic location: Xp21.1.
Variant type: single nucleotide variant.
Coding change: c.2899C>T on transcript NM_004006.3 (MANE Select); coding-DNA position 2899, C replaced by T.
Protein change: p.Leu967Phe; replaces leucine 967 with phenylalanine.
Molecular consequence: missense variant.
Genome position (GRCh38, 1-based): chrX:32,472,214, G>A on the plus strand (C>T on the coding strand, the complement: DMD is on the minus strand). VCF-style: chrX-32472214-G-A. GRCh37 (hg19) VCF-style: chrX-32490331-G-A.
Other names: c.2875C>T, p.Leu959Phe (NM_000109.4); c.2887C>T, p.Leu963Phe (NM_004009.3); c.2530C>T, p.Leu844Phe (NM_004010.3); c.2899C>T (NM_004006.2); short protein forms L959F, L963F, L844F, L967F.
Identifiers: ClinVar variation 1492909 (VCV001492909.10), dbSNP rs2040718654, ClinGen allele CA412667982.